The following is an entry in ClinVar:

NM_004369.4(COL6A3):c.6448G>A (p.Asp2150Asn)

Gene: COL6A3 (collagen type VI alpha 3 chain; minus strand). Cytogenetic location: 2q37.3.
Variant type: single nucleotide variant.
Coding change: c.6448G>A on transcript NM_004369.4 (MANE Select); coding-DNA position 6448, G replaced by A.
Protein change: p.Asp2150Asn; replaces aspartic acid 2150 with asparagine.
Molecular consequence: missense variant.
Genome position (GRCh38, 1-based): chr2:237,358,544, C>T on the plus strand (G>A on the coding strand, the complement: COL6A3 is on the minus strand). VCF-style: chr2-237358544-C-T. GRCh37 (hg19) VCF-style: chr2-238267187-C-T.
Other names: c.4627G>A, p.Asp1543Asn (NM_057166.5); c.5830G>A, p.Asp1944Asn (NM_057167.4); short protein forms D1543N, D1944N, D2150N.
Identifiers: ClinVar variation 858374 (VCV000858374.10), dbSNP rs2077367323, ClinGen allele CA351215344.

ClinVar aggregate classification (germline): Uncertain significance (1 of 4 stars; one submission).

Conditions:
Bethlem myopathy 1A. Also called: MYOPATHY, BENIGN CONGENITAL, WITH CONTRACTURES; Bethlem myopathy 1; Bethlem Muscular Dystrophy. Identifiers: Orphanet 610, MedGen CN029274, MONDO:0024530, OMIM 158810.

Submission:

Labcorp Genetics (formerly Invitae), Labcorp
Classification: Uncertain significance for Bethlem myopathy 1A. Last evaluated: 2020-03-08. Review status: criteria provided, single submitter. Criteria: Invitae Variant Classification Sherloc (09022015). Collection method: clinical testing. Allele origin: germline.
Comment: This variant has not been reported in the literature in individuals with COL6A3-related conditions. This variant is not present in population databases (ExAC no frequency). This sequence change replaces aspartic acid with asparagine at codon 2150 of the COL6A3 protein (p.Asp2150Asn). The aspartic acid residue is moderately conserved and there is a small physicochemical difference between aspartic acid and asparagine. Algorithms developed to predict the effect of missense changes on protein structure and function are either unavailable or do not agree on the potential impact of this missense change (SIFT: "Tolerated"; PolyPhen-2: "Probably Damaging"; Align-GVGD: "Class C0"). In summary, the available evidence is currently insufficient to determine the role of this variant in disease. Therefore, it has been classified as a Variant of Uncertain Significance.